The following is an entry in ClinVar:

ClinVar aggregate classification (germline): Uncertain significance (1 of 4 stars; one submission).

Submission:

Labcorp Genetics (formerly Invitae), Labcorp
Classification: Uncertain significance. Last evaluated: 2020-10-05. Review status: criteria provided, single submitter. Criteria: Invitae Variant Classification Sherloc (09022015). Collection method: clinical testing. Allele origin: germline.
Comment: In summary, the available evidence is currently insufficient to determine the role of this variant in disease. Therefore, it has been classified as a Variant of Uncertain Significance. Algorithms developed to predict the effect of missense changes on protein structure and function (SIFT, PolyPhen-2, Align-GVGD) all suggest that this variant is likely to be disruptive, but these predictions have not been confirmed by published functional studies and their clinical significance is uncertain. This variant has not been reported in the literature in individuals with POLE-related conditions. This variant is not present in population databases (ExAC no frequency). This sequence change replaces aspartic acid with tyrosine at codon 490 of the POLE protein (p.Asp490Tyr). The aspartic acid residue is highly conserved and there is a large physicochemical difference between aspartic acid and tyrosine.

NM_006231.4(POLE):c.1468G>T (p.Asp490Tyr)

Gene: POLE (DNA polymerase epsilon, catalytic subunit; minus strand). Cytogenetic location: 12q24.33.
Variant type: single nucleotide variant.
Coding change: c.1468G>T on transcript NM_006231.4 (MANE Select); coding-DNA position 1468, G replaced by T.
Protein change: p.Asp490Tyr; replaces aspartic acid 490 with tyrosine.
Molecular consequence: missense variant.
Genome position (GRCh38, 1-based): chr12:132,673,169, C>A on the plus strand (G>T on the coding strand, the complement: POLE is on the minus strand). VCF-style: chr12-132673169-C-A. GRCh37 (hg19) VCF-style: chr12-133249755-C-A.
Other names: short protein forms D490Y.
Identifiers: ClinVar variation 1046831 (VCV001046831.8), dbSNP rs755463796, ClinGen allele CA387358063.